The following is an entry in ClinVar:

ClinVar aggregate classification (germline): Uncertain significance (1 of 4 stars; one submission).

Conditions:
Primary ciliary dyskinesia. Also called: Ciliary dyskinesia. Identifiers: Orphanet 244, MedGen C0008780, MONDO:0016575, HP:0012265.

gnomAD v4.1: 1 of 1,587,790 alleles (0.000063%); highest among the groups gnomAD compares: Non-Finnish European, 0.000086%; no homozygotes.

Submission:

Labcorp Genetics (formerly Invitae), Labcorp
Classification: Uncertain significance for Primary ciliary dyskinesia. Last evaluated: 2021-10-10. Review status: criteria provided, single submitter. Criteria: Invitae Variant Classification Sherloc (09022015). Collection method: clinical testing. Allele origin: germline.
Comment: This sequence change falls in intron 12 of the DNAH5 gene. It does not directly change the encoded amino acid sequence of the DNAH5 protein. This variant is not present in population databases (ExAC no frequency). This variant has not been reported in the literature in individuals affected with DNAH5-related conditions. Algorithms developed to predict the effect of sequence changes on RNA splicing suggest that this variant may disrupt the consensus splice site. In summary, the available evidence is currently insufficient to determine the role of this variant in disease. Therefore, it has been classified as a Variant of Uncertain Significance.

NM_001369.3(DNAH5):c.1645-8T>G

Gene: DNAH5 (dynein axonemal heavy chain 5; minus strand). Cytogenetic location: 5p15.2.
Variant type: single nucleotide variant.
Coding change: c.1645-8T>G on transcript NM_001369.3 (MANE Select); 8 bases into the intron before coding-DNA position 1645, T replaced by G.
Molecular consequence: intron variant.
Genome position (GRCh38, 1-based): chr5:13,902,146, A>C on the plus strand (T>G on the coding strand, the complement: DNAH5 is on the minus strand). VCF-style: chr5-13902146-A-C. GRCh37 (hg19) VCF-style: chr5-13902255-A-C.
Identifiers: ClinVar variation 1475360 (VCV001475360.6), dbSNP rs2151964175, ClinGen allele CA2573138505.